The following is an entry in ClinVar:

NM_002936.6(RNASEH1):c.128+185T>G

Gene: RNASEH1 (ribonuclease H1; minus strand). Cytogenetic location: 2p25.3.
Variant type: single nucleotide variant.
Coding change: c.128+185T>G on transcript NM_002936.6 (MANE Select); 185 bases into the intron after coding-DNA position 128, T replaced by G.
Molecular consequence: intron variant. On other transcripts: 5 prime UTR variant (1).
Genome position (GRCh38, 1-based): chr2:3,557,948, A>C on the plus strand (T>G on the coding strand, the complement: RNASEH1 is on the minus strand). VCF-style: chr2-3557948-A-C. GRCh37 (hg19) VCF-style: chr2-3605538-A-C.
Other names: c.-277T>G (NM_001286837.3); c.128+185T>G (NM_001378272.1, NM_001378273.1, NM_001378271.1); c.50+185T>G (NM_001286834.3).
Identifiers: ClinVar variation 670028 (VCV000670028.2), dbSNP rs34613047, ClinGen allele CA11332382.

ClinVar aggregate classification (germline): Benign. Review status: criteria provided, multiple submitters, no conflicts (2 of 4 stars). 2 submissions from 2 submitters: Benign (2). Last evaluated 2018-06-14.

Allele frequency attached by ClinVar (database versions not stated): gnomAD 0.31018 and 0.32282; TOPMed 0.31589; gnomAD exomes 0.35971; 1000 Genomes Project 30x 0.38632; 1000 Genomes Project 0.39277.
gnomAD v4.1: 541,608 of 1,519,880 alleles (36%); highest among the groups gnomAD compares: East Asian, 56%; 101,737 homozygotes.

Submissions (2):

GeneDx
Classification: Benign. Last evaluated: 2018-06-14. Review status: criteria provided, single submitter. Criteria: GeneDx Variant Classification (06012015). Collection method: clinical testing. Allele origin: germline. Affected: yes.
Comment: This variant is considered likely benign or benign based on one or more of the following criteria: it is a conservative change, it occurs at a poorly conserved position in the protein, it is predicted to be benign by multiple in silico algorithms, and/or has population frequency not consistent with disease.

Breakthrough Genomics
Classification: Benign. Review status: criteria provided, single submitter. Criteria: ACMG Guidelines, 2015. Collection method: not provided. Allele origin: germline. Inheritance: Autosomal recessive inheritance. Affected: yes.